The following is an entry in ClinVar:

NM_006230.4(POLD2):c.1158del (p.Phe387fs)

Gene: POLD2 (DNA polymerase delta 2, accessory subunit; minus strand). Cytogenetic location: 7p13.
Variant type: Deletion.
Coding change: c.1158del on transcript NM_006230.4 (MANE Select); coding-DNA position 1158, one base deleted (C; older notation c.1158delC).
Protein change: p.Phe387fs; shifts the reading frame from phenylalanine 387.
Molecular consequence: frameshift variant.
Genome position (GRCh38, 1-based): chr7:44,115,386, G deleted on the plus strand (C on the coding strand, the reverse complement: POLD2 is on the minus strand); the first of 4 consecutive G bases (chr7:44,115,386-44,115,389); deleting any one gives the same sequence. VCF-style (leftmost placement, unchanged base first): chr7-44115385-AG-A. GRCh37 (hg19) VCF-style: chr7-44154984-AG-A.
Other names: c.1158del, p.Phe387fs (NM_001127218.3, NM_001256879.2); short protein forms F387fs.
Identifiers: ClinVar variation 3729405 (VCV003729405.2).

ClinVar aggregate classification (germline): Uncertain significance (1 of 4 stars; one submission).

Submission:

Labcorp Genetics (formerly Invitae), Labcorp
Classification: Uncertain significance. Last evaluated: 2025-01-22. Review status: criteria provided, single submitter. Criteria: Invitae Variant Classification Sherloc (09022015). Collection method: clinical testing. Allele origin: germline.
Comment: This sequence change creates a premature translational stop signal (p.Phe422Serfs*40) in the POLD2 gene. While this is not anticipated to result in nonsense mediated decay, it is expected to disrupt the last 83 amino acid(s) of the POLD2 protein. This variant is present in population databases (rs770677793, gnomAD 0.0009%). This variant has not been reported in the literature in individuals affected with POLD2-related conditions. Experimental studies and prediction algorithms are not available or were not evaluated, and the functional significance of this variant is currently unknown. In summary, the available evidence is currently insufficient to determine the role of this variant in disease. Therefore, it has been classified as a Variant of Uncertain Significance.